The following is an entry in ClinVar:

ClinVar aggregate classification (germline): Benign/Likely benign. Review status: criteria provided, multiple submitters, no conflicts (2 of 4 stars). 3 submissions from 3 submitters: Benign (1); Likely benign (2). Last evaluated 2022-01-03.

Allele frequency attached by ClinVar (database versions not stated): ExAC 0.00430; ESP Exome Variant Server 0.00752; gnomAD 0.00855 and 0.00793; 1000 Genomes Project 0.01138; 1000 Genomes Project 30x 0.01156; gnomAD exomes 0.00206 and 0.00092; TOPMed 0.00923.

Submissions (3):

Mayo Clinic Laboratories, Mayo Clinic
Classification: Benign. Last evaluated: 2022-01-03. Review status: criteria provided, single submitter. Criteria: ACMG Guidelines, 2015. Collection method: clinical testing. Allele origin: germline. Observed: 6 variant alleles.
Comment: BA1, BP4

GeneDx
Classification: Likely benign. Last evaluated: 2019-03-24. Review status: criteria provided, single submitter. Criteria: GeneDx Variant Classification Process June 2021. Collection method: clinical testing. Allele origin: germline. Affected: yes.

Breakthrough Genomics
Classification: Likely benign. Review status: criteria provided, single submitter. Criteria: ACMG Guidelines, 2015. Collection method: not provided. Allele origin: germline. Inheritance: Autosomal recessive inheritance. Affected: yes.

NM_020376.4(PNPLA2):c.1053-21C>T

Gene: PNPLA2 (patatin like domain 2, triacylglycerol lipase; plus strand). Cytogenetic location: 11p15.5.
Variant type: single nucleotide variant.
Coding change: c.1053-21C>T on transcript NM_020376.4 (MANE Select); 21 bases into the intron before coding-DNA position 1053, C replaced by T.
Molecular consequence: intron variant.
Genome position (GRCh38, 1-based): chr11:824,293, C>T. VCF-style: chr11-824293-C-T. GRCh37 (hg19) VCF-style: chr11-824293-C-T.
Other names: p.?.
Identifiers: ClinVar variation 1194357 (VCV001194357.4), dbSNP rs114512805, ClinGen allele CA5791298.